The following is an entry in ClinVar:

NM_000064.4(C3):c.122C>G (p.Thr41Ser)

Gene: C3 (complement C3; minus strand). Cytogenetic location: 19p13.3.
Variant type: single nucleotide variant.
Coding change: c.122C>G on transcript NM_000064.4 (MANE Select); coding-DNA position 122, C replaced by G.
Protein change: p.Thr41Ser; replaces threonine 41 with serine.
Molecular consequence: missense variant.
Genome position (GRCh38, 1-based): chr19:6,719,356, G>C on the plus strand (C>G on the coding strand, the complement: C3 is on the minus strand). VCF-style: chr19-6719356-G-C. GRCh37 (hg19) VCF-style: chr19-6719367-G-C.
Other names: short protein forms T41S.
Identifiers: ClinVar variation 3641589 (VCV003641589.2).

ClinVar aggregate classification (germline): Uncertain significance (1 of 4 stars; one submission).

Submission:

Labcorp Genetics (formerly Invitae), Labcorp
Classification: Uncertain significance. Last evaluated: 2024-02-17. Review status: criteria provided, single submitter. Criteria: Invitae Variant Classification Sherloc (09022015). Collection method: clinical testing. Allele origin: germline.
Comment: This sequence change replaces threonine, which is neutral and polar, with serine, which is neutral and polar, at codon 41 of the C3 protein (p.Thr41Ser). This variant is not present in population databases (gnomAD no frequency). This variant has not been reported in the literature in individuals affected with C3-related conditions. Advanced modeling of protein sequence and biophysical properties (such as structural, functional, and spatial information, amino acid conservation, physicochemical variation, residue mobility, and thermodynamic stability) performed at Invitae indicates that this missense variant is not expected to disrupt C3 protein function with a negative predictive value of 80%. In summary, the available evidence is currently insufficient to determine the role of this variant in disease. Therefore, it has been classified as a Variant of Uncertain Significance.